The following is an entry in ClinVar:

NM_005219.5(DIAPH1):c.2545T>A (p.Leu849Ile)

Gene: DIAPH1 (diaphanous related formin 1; minus strand). Cytogenetic location: 5q31.3.
Variant type: single nucleotide variant.
Coding change: c.2545T>A on transcript NM_005219.5 (MANE Select); coding-DNA position 2545, T replaced by A.
Protein change: p.Leu849Ile; replaces leucine 849 with isoleucine.
Molecular consequence: missense variant.
Genome position (GRCh38, 1-based): chr5:141,534,371, A>T on the plus strand (T>A on the coding strand, the complement: DIAPH1 is on the minus strand). VCF-style: chr5-141534371-A-T. GRCh37 (hg19) VCF-style: chr5-140913938-A-T.
Other names: c.2518T>A, p.Leu840Ile (NM_001079812.3); c.2545T>A, p.Leu849Ile (NM_001314007.2); short protein forms L849I, L840I.
Identifiers: ClinVar variation 971075 (VCV000971075.10), dbSNP rs745960805, ClinGen allele CA3479019.
Genomic context (GRCh38, chr5:141,534,371, plus strand): 5'-TAGTTGGGACCAAGAGATACTCACAGAGATTCTGGGCTGTCTTTGAATCCAACACCTTTA[A>T]CTCTTTTACTTTTTTCTTTTGCACAGATTTCTTTTCTTCTCCACCTTCTTGATCCTTCTT-3'
Protein context (NP_005210.3, residues 839-859): KSVQKKKVKE[Leu849Ile]KVLDSKTAQN

ClinVar aggregate classification (germline): Uncertain significance (1 of 4 stars; one submission).

Conditions:
Autosomal dominant nonsyndromic hearing loss 1. Also called: KONIGSMARK SYNDROME; DEAFNESS, AUTOSOMAL DOMINANT 1, WITH OR WITHOUT THROMBOCYTOPENIA. Identifiers: Orphanet 90635, MedGen C1852282, MONDO:0007424, OMIM 124900.
Progressive microcephaly-seizures-cortical blindness-developmental delay syndrome. Also called: Seizures, cortical blindness, and microcephaly syndrome. Identifiers: Orphanet 477814, MedGen C5567650, MONDO:0014714, OMIM 616632.

Allele frequency attached by ClinVar (database versions not stated): gnomAD exomes below 0.00001; ExAC 0.00001; TOPMed 0.00001; gnomAD 0.00003.
gnomAD v4.1: 6 of 1,613,578 alleles (0.00037%); highest among the groups gnomAD compares: African/African-American, 0.008%; no homozygotes.

Submission:

Labcorp Genetics (formerly Invitae), Labcorp
Classification: Uncertain significance for Progressive microcephaly-seizures-cortical blindness-developmental delay syndrome; Autosomal dominant nonsyndromic hearing loss 1. Last evaluated: 2024-12-15. Review status: criteria provided, single submitter. Criteria: Invitae Variant Classification Sherloc (09022015). Collection method: clinical testing. Allele origin: germline.
Comment: This sequence change replaces leucine, which is neutral and non-polar, with isoleucine, which is neutral and non-polar, at codon 849 of the DIAPH1 protein (p.Leu849Ile). This variant is present in population databases (rs745960805, gnomAD 0.007%). This variant has not been reported in the literature in individuals affected with DIAPH1-related conditions. ClinVar contains an entry for this variant (Variation ID: 971075). An algorithm developed to predict the effect of missense changes on protein structure and function (PolyPhen-2) suggests that this variant is likely to be disruptive. In summary, the available evidence is currently insufficient to determine the role of this variant in disease. Therefore, it has been classified as a Variant of Uncertain Significance.